The following is an entry in ClinVar:

ClinVar aggregate classification (germline): Uncertain significance. Review status: criteria provided, multiple submitters, no conflicts (2 of 4 stars). 4 submissions from 4 submitters: Uncertain significance (4). Last evaluated 2025-06-05.

Conditions:
Inborn genetic diseases. Identifiers: MedGen C0950123, MeSH D030342.

Allele frequency attached by ClinVar (database versions not stated): ExAC 0.00001; gnomAD 0.00003; TOPMed 0.00003; 1000 Genomes Project 30x 0.00016; 1000 Genomes Project 0.00020.

Submissions (4):

Mayo Clinic Laboratories, Mayo Clinic
Classification: Uncertain significance. Last evaluated: 2025-06-05. Review status: criteria provided, single submitter. Criteria: ACMG Guidelines, 2015. Collection method: clinical testing. Allele origin: germline. Observed: 1 variant allele.
Comment: PP3

Ambry Genetics
Classification: Uncertain significance for Inborn genetic diseases. Last evaluated: 2025-05-04. Review status: criteria provided, single submitter. Criteria: Ambry Variant Classification Scheme 2023. Collection method: clinical testing. Allele origin: germline.
Comment: The p.I722T variant (also known as c.2165T>C), located in coding exon 1 of the SAMD9L gene, results from a T to C substitution at nucleotide position 2165. The isoleucine at codon 722 is replaced by threonine, an amino acid with similar properties. This amino acid position is conserved. In addition, this alteration is predicted to be deleterious by in silico analysis. Based on the available evidence, the clinical significance of this variant remains unclear.

Labcorp Genetics (formerly Invitae), Labcorp
Classification: Uncertain significance. Last evaluated: 2023-11-28. Review status: criteria provided, single submitter. Criteria: Invitae Variant Classification Sherloc (09022015). Collection method: clinical testing. Allele origin: germline.
Comment: This sequence change replaces isoleucine, which is neutral and non-polar, with threonine, which is neutral and polar, at codon 722 of the SAMD9L protein (p.Ile722Thr). This variant is present in population databases (rs561539359, gnomAD 0.01%). This variant has not been reported in the literature in individuals affected with SAMD9L-related conditions. Advanced modeling of protein sequence and biophysical properties (such as structural, functional, and spatial information, amino acid conservation, physicochemical variation, residue mobility, and thermodynamic stability) performed at Invitae indicates that this missense variant is expected to disrupt SAMD9L protein function with a positive predictive value of 80%. In summary, the available evidence is currently insufficient to determine the role of this variant in disease. Therefore, it has been classified as a Variant of Uncertain Significance.

GeneDx
Classification: Uncertain significance. Last evaluated: 2022-08-29. Review status: criteria provided, single submitter. Criteria: GeneDx Variant Classification Process June 2021. Collection method: clinical testing. Allele origin: germline. Affected: yes.
Comment: Not observed at significant frequency in large population cohorts (gnomAD); In silico analysis supports that this missense variant has a deleterious effect on protein structure/function; Has not been previously published as pathogenic or benign to our knowledge; This variant is associated with the following publications: (PMID: 28545555)

NM_152703.5(SAMD9L):c.2165T>C (p.Ile722Thr)

Gene: SAMD9L (sterile alpha motif domain containing 9 like; minus strand). Cytogenetic location: 7q21.2.
Variant type: single nucleotide variant.
Coding change: c.2165T>C on transcript NM_152703.5 (MANE Select); coding-DNA position 2165, T replaced by C.
Protein change: p.Ile722Thr; replaces isoleucine 722 with threonine.
Molecular consequence: missense variant.
Genome position (GRCh38, 1-based): chr7:93,133,807, A>G on the plus strand (T>C on the coding strand, the complement: SAMD9L is on the minus strand). VCF-style: chr7-93133807-A-G. GRCh37 (hg19) VCF-style: chr7-92763120-A-G.
Other names: p.Ile722Thr; c.2165T>C, p.Ile722Thr (NM_001350085.2, NM_001303496.3, NM_001303497.3 and 5 more transcripts); c.2165T>C (NM_152703.2); short protein forms I722T.
Identifiers: ClinVar variation 2442417 (VCV002442417.6), dbSNP rs561539359, ClinGen allele CA4343626.